The following is an entry in ClinVar:

ClinVar aggregate classification (germline): Pathogenic (1 of 4 stars; one submission).

Conditions:
Familial cancer of breast. Also called: Hereditary breast cancer; BREAST CANCER, FAMILIAL; hereditary breast carcinoma. Identifiers: Orphanet 227535, MedGen C0346153, MONDO:0016419, OMIM 114480. Disease mechanism: loss of function.

Submission:

Myriad Genetics, Inc.
Classification: Pathogenic for Familial cancer of breast. Last evaluated: 2023-06-26. Review status: criteria provided, single submitter. Criteria: Myriad Autosomal Dominant, Autosomal Recessive and X-Linked Classification Criteria (2023). Collection method: clinical testing. Allele origin: unknown.
Comment: This variant is considered pathogenic. This variant creates a frameshift predicted to result in premature protein truncation.

NM_007194.4(CHEK2):c.657del (p.Glu219fs)

Gene: CHEK2 (checkpoint kinase 2; minus strand). Cytogenetic location: 22q12.1.
Variant type: Deletion.
Coding change: c.657del on transcript NM_007194.4 (MANE Select); coding-DNA position 657, one base deleted (A; older notation c.657delA).
Protein change: p.Glu219fs; shifts the reading frame from glutamic acid 219.
Molecular consequence: frameshift variant. On other transcripts: 5 prime UTR variant (2), intron variant (1).
Genome position (GRCh38, 1-based): chr22:28,719,421, T deleted on the plus strand (A on the coding strand, the reverse complement: CHEK2 is on the minus strand); the first of 2 consecutive T bases (chr22:28,719,421-28,719,422); deleting either gives the same sequence. VCF-style (leftmost placement, unchanged base first): chr22-28719420-AT-A. GRCh37 (hg19) VCF-style: chr22-29115408-AT-A.
Other names: c.786del, p.Glu262fs (NM_001005735.3, NM_001438294.1); c.-7del (NM_001257387.3, NM_001437942.1); c.750del, p.Glu250fs (NM_001438293.1, NM_001438295.1); c.657del, p.Glu219fs (NM_145862.3); c.482+5465del (NM_001349956.3); short protein forms E219fs, E262fs, E250fs.
Identifiers: ClinVar variation 2583529 (VCV002583529.2), dbSNP rs2518008992, ClinGen allele CA2582342746.